The following is an entry in ClinVar:

ClinVar aggregate classification (germline): Uncertain significance (1 of 4 stars; one submission).

Conditions:
Spastic paraplegia. Identifiers: MedGen C0037772, HP:0001258.

Submission:

Labcorp Genetics (formerly Invitae), Labcorp
Classification: Uncertain significance for Spastic paraplegia. Last evaluated: 2022-02-24. Review status: criteria provided, single submitter. Criteria: Invitae Variant Classification Sherloc (09022015). Collection method: clinical testing. Allele origin: germline.
Comment: This sequence change replaces serine, which is neutral and polar, with proline, which is neutral and non-polar, at codon 258 of the KIF5A protein (p.Ser258Pro). This variant is not present in population databases (gnomAD no frequency). In summary, the available evidence is currently insufficient to determine the role of this variant in disease. Therefore, it has been classified as a Variant of Uncertain Significance. This variant disrupts the p.Ser258 amino acid residue in KIF5A. Other variant(s) that disrupt this residue have been observed in individuals with KIF5A-related conditions (PMID: 26403765), which suggests that this may be a clinically significant amino acid residue. Advanced modeling of protein sequence and biophysical properties (such as structural, functional, and spatial information, amino acid conservation, physicochemical variation, residue mobility, and thermodynamic stability) performed at Invitae indicates that this missense variant is expected to disrupt KIF5A protein function. ClinVar contains an entry for this variant (Variation ID: 1034494). This missense change has been observed in individual(s) with hereditary spastic paraplegia (Invitae).

Literature cited by the submitters: PubMed 26403765.

NM_004984.4(KIF5A):c.772T>C (p.Ser258Pro)

Gene: KIF5A (kinesin family member 5A; plus strand). Cytogenetic location: 12q13.3.
Variant type: single nucleotide variant.
Coding change: c.772T>C on transcript NM_004984.4 (MANE Select); coding-DNA position 772, T replaced by C.
Protein change: p.Ser258Pro; replaces serine 258 with proline.
Molecular consequence: missense variant.
Genome position (GRCh38, 1-based): chr12:57,569,020, T>C. VCF-style: chr12-57569020-T-C. GRCh37 (hg19) VCF-style: chr12-57962803-T-C.
Other names: c.505T>C, p.Ser169Pro (NM_001354705.2); short protein forms S258P, S169P.
Identifiers: ClinVar variation 1034494 (VCV001034494.8), dbSNP rs1882158696, ClinGen allele CA385500096.
Genomic context (GRCh38, chr12:57,569,020, plus strand): 5'-TAGGTCAGCAAGACTGGAGCAGAGGGAGCCGTGCTGGACGAGGCAAAGAATATCAACAAG[T>C]CACTGTCAGCTCTGGGCAATGTGATCTCCGCACTGGCTGAGGGCACTGTGAGTGATCCTT-3'
Protein context (NP_004975.2, residues 248-268): VLDEAKNINK[Ser258Pro]LSALGNVISA